The following is an entry in ClinVar:

ClinVar aggregate classification (germline): Benign. Review status: criteria provided, multiple submitters, no conflicts (2 of 4 stars). 2 submissions from 2 submitters: Benign (2). Last evaluated 2018-01-12.

Conditions:
Knobloch syndrome (KNO). Also called: RETINAL DETACHMENT AND OCCIPITAL ENCEPHALOCELE; Myopia retinal detachment encephalocele. Identifiers: Orphanet 1571, MedGen C1849409, MONDO:0800166.

Allele frequency attached by ClinVar (database versions not stated): gnomAD exomes 0.45042; gnomAD 0.46140 and 0.46303; TOPMed 0.46590; 1000 Genomes Project 30x 0.51530; 1000 Genomes Project 0.51797.
gnomAD v4.1: 180,161 of 395,724 alleles (46%); highest among the groups gnomAD compares: East Asian, 57%; 41,587 homozygotes.

Submissions (2):

Illumina Laboratory Services, Illumina
Classification: Benign for Knobloch syndrome 1. Last evaluated: 2018-01-12. Review status: criteria provided, single submitter. Criteria: ICSL Variant Classification Criteria 13 December 2019. Collection method: clinical testing. Allele origin: germline.
Comment: This variant was observed in the ICSL laboratory as part of a predisposition screen in an ostensibly healthy population. It had not been previously curated by ICSL or reported in the Human Gene Mutation Database (HGMD: prior to June 1st, 2018), and was therefore a candidate for classification through an automated scoring system. Utilizing variant allele frequency, disease prevalence and penetrance estimates, and inheritance mode, an automated score was calculated to assess if this variant is too frequent to cause the disease. Based on the score and internal cut-off values, a variant classified as benign is not then subjected to further curation. The score for this variant resulted in a classification of benign for this disease.

Breakthrough Genomics
Classification: Benign. Review status: criteria provided, single submitter. Criteria: ACMG Guidelines, 2015. Collection method: not provided. Allele origin: germline. Inheritance: Autosomal recessive inheritance. Affected: yes.

NM_001379500.1(COL18A1):c.*340G>A

Genes: COL18A1 (collagen type XVIII alpha 1 chain; plus strand), SLC19A1 (solute carrier family 19 member 1; minus strand). Cytogenetic location: 21q22.3.
Variant type: single nucleotide variant.
Coding change: c.*340G>A on transcript NM_001379500.1 (MANE Select); 340 bases downstream of the stop codon, G replaced by A.
Molecular consequence: 3 prime UTR variant.
Genome position (GRCh38, 1-based): chr21:45,512,738, G>A. VCF-style: chr21-45512738-G-A. GRCh37 (hg19) VCF-style: chr21-46932652-G-A.
Other names: NM_130445.2:c.*340G>A; c.*2238C>T (NM_001205206.4, NM_001352511.3); c.*2920C>T (NM_001205207.3, NM_001352510.2, NM_001352512.2 and 1 more transcripts); c.*340G>A (NM_030582.4, NM_130444.3).
Identifiers: ClinVar variation 340283 (VCV000340283.6), dbSNP rs7867, ClinGen allele CA10644826.